The following is an entry in ClinVar:

ClinVar aggregate classification (germline): Uncertain significance (1 of 4 stars; one submission).

Submission:

Labcorp Genetics (formerly Invitae), Labcorp
Classification: Uncertain significance. Last evaluated: 2023-06-06. Review status: criteria provided, single submitter. Criteria: Invitae Variant Classification Sherloc (09022015). Collection method: clinical testing. Allele origin: germline.
Comment: In summary, the available evidence is currently insufficient to determine the role of this variant in disease. Therefore, it has been classified as a Variant of Uncertain Significance. This variant has not been reported in the literature in individuals affected with MAGEL2-related conditions. This variant is not present in population databases (gnomAD no frequency). This sequence change affects codon 505 of the MAGEL2 mRNA. It is a 'silent' change, meaning that it does not change the encoded amino acid sequence of the MAGEL2 protein.

NM_019066.5(MAGEL2):c.1515G>A (p.Gln505=)

Gene: MAGEL2 (MAGE family member L2; minus strand). Cytogenetic location: 15q11.2.
Variant type: single nucleotide variant.
Coding change: c.1515G>A on transcript NM_019066.5 (MANE Select); coding-DNA position 1515, G replaced by A.
Protein change: p.Gln505=; no amino-acid change (glutamine 505 retained).
Molecular consequence: synonymous variant.
Genome position (GRCh38, 1-based): chr15:23,646,228, C>T on the plus strand (G>A on the coding strand, the complement: MAGEL2 is on the minus strand). VCF-style: chr15-23646228-C-T. GRCh37 (hg19) VCF-style: chr15-23891375-C-T.
Identifiers: ClinVar variation 2855144 (VCV002855144.3), dbSNP rs2503980389, ClinGen allele CA2739278581.